The following is an entry in ClinVar:

NM_002474.3(MYH11):c.1865-13C>G

Gene: MYH11 (myosin heavy chain 11; minus strand). Cytogenetic location: 16p13.11.
Variant type: single nucleotide variant.
Coding change: c.1865-13C>G on transcript NM_002474.3 (MANE Select); 13 bases into the intron before coding-DNA position 1865, C replaced by G.
Molecular consequence: intron variant.
Genome position (GRCh38, 1-based): chr16:15,750,344, G>C on the plus strand (C>G on the coding strand, the complement: MYH11 is on the minus strand). VCF-style: chr16-15750344-G-C. GRCh37 (hg19) VCF-style: chr16-15844201-G-C.
Other names: c.1865-13C>G (NM_022844.3); c.1886-13C>G (NM_001040114.2, NM_001040113.2).
Identifiers: ClinVar variation 682593 (VCV000682593.10), dbSNP rs1205098779, ClinGen allele CA718497550.

ClinVar aggregate classification (germline): Likely benign. Review status: criteria provided, multiple submitters, no conflicts (2 of 4 stars). 3 submissions from 3 submitters: Likely benign (3). Last evaluated 2025-10-09.

Conditions:
Familial thoracic aortic aneurysm and aortic dissection (TAAD). Also called: Thoracic aortic aneurysms and dissections. Identifiers: Orphanet 91387, MedGen C4707243, MONDO:0019625.
Aortic aneurysm, familial thoracic 4 (AAT4). Also called: AORTIC ANEURYSM/AORTIC DISSECTION AND PATENT DUCTUS ARTERIOSUS. Identifiers: MedGen C1851504, MONDO:0007568, OMIM 132900.

Allele frequency attached by ClinVar (database versions not stated): gnomAD 0.00001; TOPMed 0.00001.
gnomAD v4.1: 1 of 1,582,548 alleles (0.000063%); highest among the groups gnomAD compares: Non-Finnish European, 0.000086%; no homozygotes.

Submissions (3):

Labcorp Genetics (formerly Invitae), Labcorp
Classification: Likely benign for Aortic aneurysm, familial thoracic 4. Last evaluated: 2025-10-09. Review status: criteria provided, single submitter. Criteria: Invitae Variant Classification Sherloc (09022015). Collection method: clinical testing. Allele origin: germline.

Color Diagnostics, LLC DBA Color Health
Classification: Likely benign for Familial thoracic aortic aneurysm and aortic dissection. Last evaluated: 2019-02-09. Review status: criteria provided, single submitter. Criteria: ACMG Guidelines, 2015. Collection method: clinical testing. Allele origin: germline.

GeneDx
Classification: Likely benign. Last evaluated: 2018-05-01. Review status: criteria provided, single submitter. Criteria: GeneDx Variant Classification (06012015). Collection method: clinical testing. Allele origin: germline. Affected: yes.
Comment: This variant is considered likely benign or benign based on one or more of the following criteria: it is a conservative change, it occurs at a poorly conserved position in the protein, it is predicted to be benign by multiple in silico algorithms, and/or has population frequency not consistent with disease.